The following is an entry in ClinVar:

NM_001605.3(AARS1):c.49TTC[1] (p.Phe18del)

Gene: AARS1 (alanyl-tRNA synthetase 1; minus strand). Cytogenetic location: 16q22.1.
Variant type: Microsatellite.
Coding change: c.49TTC[1] on transcript NM_001605.3 (MANE Select); one copy of the 3-base unit TTC starting at c.49; the reference has two copies in a row; one copy, 3 bases deleted.
Protein change: p.Phe18del; deletes phenylalanine 18.
Molecular consequence: inframe deletion.
Genome position (GRCh38, 1-based): chr16:70,282,710-70,282,712, GAA deleted on the plus strand (TTC on the coding strand, the reverse complement: AARS1 is on the minus strand); deleting any 3 consecutive bases within chr16:70,282,710-70,282,715 gives the same sequence; the position shown is the placement nearest the transcript's 3' end. VCF-style (leftmost placement, unchanged base first): chr16-70282709-TGAA-T. GRCh37 (hg19) VCF-style: chr16-70316612-TGAA-T.
Other names: short protein forms F18del.
Identifiers: ClinVar variation 4719134 (VCV004719134.1).
Genomic context (GRCh38, chr16:70,282,709, plus strand): 5'-AAGTGGGGTCATCCAATGGGATGGTGGCAGACGAGTGAACATACGTATGCTCGTTCCTCT[TGAA>T]GAAATCTATAAATCGCTGCCGGATTTCACTTGCTGTTAGAGTAGAGTCCATCTTGAAAGT-3'

ClinVar aggregate classification (germline): Uncertain significance (1 of 4 stars; one submission).

Conditions:
Charcot-Marie-Tooth disease type 2. Also called: Charcot-Marie-Tooth type 2. Identifiers: Orphanet 64746, MedGen C0270914, MONDO:0018993.

Submission:

Labcorp Genetics (formerly Invitae), Labcorp
Classification: Uncertain significance for Charcot-Marie-Tooth disease type 2. Last evaluated: 2025-05-07. Review status: criteria provided, single submitter. Criteria: Invitae Variant Classification Sherloc (09022015). Collection method: clinical testing. Allele origin: germline.
Comment: This variant, c.52_54del, results in the deletion of 1 amino acid(s) of the AARS protein (p.Phe18del), but otherwise preserves the integrity of the reading frame. This variant is not present in population databases (gnomAD no frequency). This variant has not been reported in the literature in individuals affected with AARS-related conditions. Experimental studies and prediction algorithms are not available or were not evaluated, and the functional significance of this variant is currently unknown. In summary, the available evidence is currently insufficient to determine the role of this variant in disease. Therefore, it has been classified as a Variant of Uncertain Significance.